The following is an entry in ClinVar:

NM_004393.6(DAG1):c.727G>A (p.Ala243Thr)

Gene: DAG1 (dystroglycan 1; plus strand). Cytogenetic location: 3p21.31.
Variant type: single nucleotide variant.
Coding change: c.727G>A on transcript NM_004393.6 (MANE Select); coding-DNA position 727, G replaced by A.
Protein change: p.Ala243Thr; replaces alanine 243 with threonine.
Molecular consequence: missense variant.
Genome position (GRCh38, 1-based): chr3:49,531,238, G>A. VCF-style: chr3-49531238-G-A. GRCh37 (hg19) VCF-style: chr3-49568671-G-A.
Other names: c.727G>A, p.Ala243Thr (NM_001165928.4, NM_001177634.3, NM_001177635.3 and 9 more transcripts); short protein forms A243T.
Identifiers: ClinVar variation 1429709 (VCV001429709.6), dbSNP rs2051334627, ClinGen allele CA352793950.

ClinVar aggregate classification (germline): Uncertain significance (1 of 4 stars; one submission).

Conditions:
Autosomal recessive limb-girdle muscular dystrophy type 2P. Also called: MUSCULAR DYSTROPHY-DYSTROGLYCANOPATHY, LIMB-GIRDLE, DAG1-RELATED; Limb-Girdle Muscular Dystrophy Type 9C; MUSCULAR DYSTROPHY, LIMB-GIRDLE, TYPE 2P. Identifiers: Orphanet 280333, MedGen C4511963, MONDO:0013440, OMIM 613818.
Muscular dystrophy-dystroglycanopathy (congenital with brain and eye anomalies), type A9. Also called: WALKER-WARBURG SYNDROME OR MUSCLE-EYE BRAIN DISEASE, DAG1-RELATED; Muscular dystrophy-dystroglycanopathy (congenital with brain and eye anomalies), type a, 9. Identifiers: Orphanet 370997, Orphanet 899, MedGen C4225291, MONDO:0014683, OMIM 616538.

Allele frequency attached by ClinVar (database versions not stated): gnomAD exomes below 0.00001; TOPMed below 0.00001.
gnomAD v4.1: 4 of 1,614,122 alleles (0.00025%); highest among the groups gnomAD compares: South Asian, 0.0022%; no homozygotes.

Submission:

Labcorp Genetics (formerly Invitae), Labcorp
Classification: Uncertain significance for Autosomal recessive limb-girdle muscular dystrophy type 2P; Muscular dystrophy-dystroglycanopathy (congenital with brain and eye anomalies), type A9. Last evaluated: 2022-06-20. Review status: criteria provided, single submitter. Criteria: Invitae Variant Classification Sherloc (09022015). Collection method: clinical testing. Allele origin: germline.
Comment: This sequence change replaces alanine, which is neutral and non-polar, with threonine, which is neutral and polar, at codon 243 of the DAG1 protein (p.Ala243Thr). This variant is not present in population databases (gnomAD no frequency). This variant has not been reported in the literature in individuals affected with DAG1-related conditions. Algorithms developed to predict the effect of missense changes on protein structure and function are either unavailable or do not agree on the potential impact of this missense change (SIFT: "Tolerated"; PolyPhen-2: "Probably Damaging"; Align-GVGD: "Class C0"). In summary, the available evidence is currently insufficient to determine the role of this variant in disease. Therefore, it has been classified as a Variant of Uncertain Significance.